The following is an entry in ClinVar:

ClinVar aggregate classification (germline): Pathogenic. Review status: criteria provided, multiple submitters, no conflicts (2 of 4 stars). 2 submissions from 2 submitters: Pathogenic (2). Last evaluated 2024-06-07.

Conditions:
Mucopolysaccharidosis, MPS-II (MPS2). Also called: Attenuated MPS (subtype; formerly known as mild MPS II); Severe MPS II; I2S deficiency; MPS 2; IDS deficiency; Sulfoiduronate sulfatase deficiency. Identifiers: Orphanet 580, Orphanet 79388, MedGen C0026705, MONDO:0010674, OMIM 309900.

Submissions (2):

Laboratory of Diagnosis and Therapy of Lysosomal Disorders, University of Padova
Classification: Pathogenic for Mucopolysaccharidosis, MPS-II. Last evaluated: 2024-06-07. Review status: criteria provided, single submitter. Criteria: ACMG Guidelines, 2015. Collection method: literature only. Allele origin: germline. Affected: yes. Observed: 1 variant allele.
Comment: Null variant (PVS1_VeryStrong), Absent from controls (or at low frequency) in gnomAD database (PM2_Moderate), Patient’s phenotype or family history highly specific for the disease (PP4_Strong)

Classification method: ACMG Guidelines [PMID:25741868] with modifications

Eurofins Ntd Llc (ga)
Classification: Pathogenic. Last evaluated: 2014-05-08. Review status: criteria provided, single submitter. Criteria: EGL Classification Definitions. Collection method: clinical testing. Allele origin: germline. Observed: 1 variant allele, 1 hemizygote.

Literature cited by the submitters: PubMed 22976768 (cited by Laboratory of Diagnosis and Therapy of Lysosomal Disorders, University of Padova).

NM_000202.8(IDS):c.314_317dup (p.Ser107fs)

Gene: IDS (iduronate 2-sulfatase; minus strand). Cytogenetic location: Xq28.
Variant type: Duplication.
Coding change: c.314_317dup on transcript NM_000202.8 (MANE Select); coding-DNA positions 314 to 317, 4 bases duplicated (TCAA; older notation c.314_317dupTCAA).
Protein change: p.Ser107fs; shifts the reading frame from serine 107.
Molecular consequence: frameshift variant. On other transcripts: non-coding transcript variant (1).
Genome position (GRCh38, 1-based): chrX:149,503,413-149,503,416, TTGA duplicated on the plus strand (TCAA on the coding strand, the reverse complement: IDS is on the minus strand). VCF-style (leftmost placement, unchanged base first): chrX-149503412-G-GTTGA. GRCh37 (hg19) VCF-style: chrX-148584942-G-GTTGA.
Other names: c.44_47dup, p.Ser17fs (NM_001166550.4); c.314_317dup, p.Ser107fs (NM_006123.5); short protein forms S17fs, S107fs.
Identifiers: ClinVar variation 196234 (VCV000196234.7), dbSNP rs797044703, ClinGen allele CA275164.